The following is an entry in ClinVar:

ClinVar aggregate classification (germline): Uncertain significance (1 of 4 stars; one submission).

Allele frequency attached by ClinVar (database versions not stated): ExAC 0.00001.
gnomAD v4.1: 1 of 1,605,126 alleles (0.000062%); highest among the groups gnomAD compares: Non-Finnish European, 0.000085%; no homozygotes.

Submission:

Labcorp Genetics (formerly Invitae), Labcorp
Classification: Uncertain significance. Last evaluated: 2025-03-05. Review status: criteria provided, single submitter. Criteria: Invitae Variant Classification Sherloc (09022015). Collection method: clinical testing. Allele origin: germline.
Comment: This sequence change falls in intron 1 of the NR2F1 gene. It does not directly change the encoded amino acid sequence of the NR2F1 protein. It affects a nucleotide within the consensus splice site. This variant is not present in population databases (gnomAD no frequency). This variant has not been reported in the literature in individuals affected with NR2F1-related conditions. ClinVar contains an entry for this variant (Variation ID: 2193933). Variants that disrupt the consensus splice site are a relatively common cause of aberrant splicing (PMID: 17576681, 9536098). Algorithms developed to predict the effect of sequence changes on RNA splicing suggest that this variant is not likely to affect RNA splicing. In summary, the available evidence is currently insufficient to determine the role of this variant in disease. Therefore, it has been classified as a Variant of Uncertain Significance.

Literature cited by the submitters: PubMed 17576681; PubMed 9536098.

NM_005654.6(NR2F1):c.463+5A>C

Genes: NR2F1 (nuclear receptor subfamily 2 group F member 1; plus strand), NR2F1-AS1 (NR2F1 regulatory antisense RNA 1; minus strand). Cytogenetic location: 5q15.
Variant type: single nucleotide variant.
Coding change: c.463+5A>C on transcript NM_005654.6 (MANE Select); 5 bases into the intron after coding-DNA position 463, A replaced by C.
Molecular consequence: intron variant.
Genome position (GRCh38, 1-based): chr5:93,585,491, A>C. VCF-style: chr5-93585491-A-C. GRCh37 (hg19) VCF-style: chr5-92921197-A-C.
Identifiers: ClinVar variation 2193933 (VCV002193933.4), dbSNP rs747394434, ClinGen allele CA3343127.